The following is an entry in ClinVar:

NM_000252.3(MTM1):c.1300C>T (p.Arg434Cys)

Gene: MTM1 (myotubularin 1; plus strand). Cytogenetic location: Xq28.
Variant type: single nucleotide variant.
Coding change: c.1300C>T on transcript NM_000252.3 (MANE Select); coding-DNA position 1300, C replaced by T.
Protein change: p.Arg434Cys; replaces arginine 434 with cysteine.
Molecular consequence: missense variant.
Genome position (GRCh38, 1-based): chrX:150,659,703, C>T. VCF-style: chrX-150659703-C-T. GRCh37 (hg19) VCF-style: chrX-149828176-C-T.
Other names: c.1300C>T, p.Arg434Cys (NM_001376906.1, NM_001376908.1); c.1189C>T, p.Arg397Cys (NM_001376907.1); short protein forms R397C, R434C.
Identifiers: ClinVar variation 855557 (VCV000855557.14), dbSNP rs782664128, ClinGen allele CA10539232.
Genomic context (GRCh38, chrX:150,659,703, plus strand): 5'-TATCTTCATCAATTTATTCAGCGAATAGGTCATGGTGATAAAAACCACACCGATGCTGAC[C>T]GTTCTCCTATTTTTCTCCAGTTTATTGATTGTGTGTGGCAAATGTCAAAACAGGTAAGGA-3'
Protein context (NP_000243.1, residues 424-444): HGDKNHTDAD[Arg434Cys]SPIFLQFIDC

ClinVar aggregate classification (germline): Uncertain significance. Review status: criteria provided, single submitter (1 of 4 stars). 2 submissions from 2 submitters: Uncertain significance (1). 1 of the submissions does not count toward it. Last evaluated 2020-02-18.

Conditions:
Severe X-linked myotubular myopathy (CNMX). Also called: MYOTUBULAR MYOPATHY 1; Myotubular myopathy, X-linked; X-linked centronuclear myopathy. Identifiers: Orphanet 596, MedGen C0410203, MONDO:0010683, OMIM 310400.

Allele frequency attached by ClinVar (database versions not stated): gnomAD exomes below 0.00001 and 0.00001; ExAC 0.00001.
gnomAD v4.1: 5 of 1,211,038 alleles (0.00041%); highest among the groups gnomAD compares: Non-Finnish European, 0.00045%; no homozygotes.

Submissions (2):

Labcorp Genetics (formerly Invitae), Labcorp
Classification: Uncertain significance for Severe X-linked myotubular myopathy. Last evaluated: 2020-02-18. Review status: criteria provided, single submitter. Criteria: Invitae Variant Classification Sherloc (09022015). Collection method: clinical testing. Allele origin: germline.
Comment: In summary, the available evidence is currently insufficient to determine the role of this variant in disease. Therefore, it has been classified as a Variant of Uncertain Significance. Algorithms developed to predict the effect of missense changes on protein structure and function (SIFT, PolyPhen-2, Align-GVGD) all suggest that this variant is likely to be disruptive, but these predictions have not been confirmed by published functional studies and their clinical significance is uncertain. This variant has not been reported in the literature in individuals with MTM1-related conditions. This variant is present in population databases (rs782664128, ExAC 0.02%), including at least one homozygous and/or hemizygous individual. This sequence change replaces arginine with cysteine at codon 434 of the MTM1 protein (p.Arg434Cys). The arginine residue is highly conserved and there is a large physicochemical difference between arginine and cysteine.

Natera, Inc.
Classification: Uncertain significance for Severe X-linked myotubular myopathy. Last evaluated: 2020-10-25. Review status: no assertion criteria provided. Collection method: clinical testing. Allele origin: germline. Not counted in ClinVar's aggregate classification.